The following is an entry in ClinVar:

NM_014014.5(SNRNP200):c.2367G>T (p.Met789Ile)

Gene: SNRNP200 (small nuclear ribonucleoprotein U5 subunit 200; minus strand). Cytogenetic location: 2q11.2.
Variant type: single nucleotide variant.
Coding change: c.2367G>T on transcript NM_014014.5 (MANE Select); coding-DNA position 2367, G replaced by T.
Protein change: p.Met789Ile; replaces methionine 789 with isoleucine.
Molecular consequence: missense variant.
Genome position (GRCh38, 1-based): chr2:96,291,446, C>A on the plus strand (G>T on the coding strand, the complement: SNRNP200 is on the minus strand). VCF-style: chr2-96291446-C-A. GRCh37 (hg19) VCF-style: chr2-96957184-C-A.
Other names: short protein forms M789I.
Identifiers: ClinVar variation 1040306 (VCV001040306.8), dbSNP rs2063883395, ClinGen allele CA347677670.

ClinVar aggregate classification (germline): Uncertain significance (1 of 4 stars; one submission).

Submission:

Labcorp Genetics (formerly Invitae), Labcorp
Classification: Uncertain significance. Last evaluated: 2021-01-14. Review status: criteria provided, single submitter. Criteria: Invitae Variant Classification Sherloc (09022015). Collection method: clinical testing. Allele origin: germline.
Comment: In summary, the available evidence is currently insufficient to determine the role of this variant in disease. Therefore, it has been classified as a Variant of Uncertain Significance. Algorithms developed to predict the effect of missense changes on protein structure and function are either unavailable or do not agree on the potential impact of this missense change (SIFT: "Tolerated"; PolyPhen-2: "Possibly Damaging"; Align-GVGD: "Class C0"). This variant has not been reported in the literature in individuals with SNRNP200-related conditions. This variant is not present in population databases (ExAC no frequency). This sequence change replaces methionine with isoleucine at codon 789 of the SNRNP200 protein (p.Met789Ile). The methionine residue is highly conserved and there is a small physicochemical difference between methionine and isoleucine.